The following is an entry in ClinVar:

NM_024642.5(GALNT12):c.1690C>G (p.Arg564Gly)

Gene: GALNT12 (polypeptide N-acetylgalactosaminyltransferase 12; plus strand). Cytogenetic location: 9q22.33.
Variant type: single nucleotide variant.
Coding change: c.1690C>G on transcript NM_024642.5 (MANE Select); coding-DNA position 1690, C replaced by G.
Protein change: p.Arg564Gly; replaces arginine 564 with glycine.
Molecular consequence: missense variant.
Genome position (GRCh38, 1-based): chr9:98,849,036, C>G. VCF-style: chr9-98849036-C-G. GRCh37 (hg19) VCF-style: chr9-101611318-C-G.
Other names: short protein forms R564G.
Identifiers: ClinVar variation 1778125 (VCV001778125.3), dbSNP rs200145205, ClinGen allele CA374223153.

ClinVar aggregate classification (germline): Uncertain significance (1 of 4 stars; one submission).

Submission:

Ambry Genetics
Classification: Uncertain significance. Last evaluated: 2025-06-27. Review status: criteria provided, single submitter. Criteria: Ambry Variant Classification Scheme 2023. Collection method: clinical testing. Allele origin: germline.
Comment: The p.R564G variant (also known as c.1690C>G), located in coding exon 10 of the GALNT12 gene, results from a C to G substitution at nucleotide position 1690. The arginine at codon 564 is replaced by glycine, an amino acid with dissimilar properties. This amino acid position is conserved. In addition, this alteration is predicted to be tolerated by in silico analysis. Since supporting evidence is limited at this time, the clinical significance of this alteration remains unclear.